The following is an entry in ClinVar:

ClinVar aggregate classification (germline): Pathogenic (1 of 4 stars; one submission).

Submission:

Labcorp Genetics (formerly Invitae), Labcorp
Classification: Pathogenic. Last evaluated: 2025-07-15. Review status: criteria provided, single submitter. Criteria: Invitae Variant Classification Sherloc (09022015). Collection method: clinical testing. Allele origin: germline.
Comment: This sequence change creates a premature translational stop signal (p.Leu419*) in the CYLD gene. It is expected to result in an absent or disrupted protein product. Loss-of-function variants in CYLD are known to be pathogenic (PMID: 19462465). This variant is not present in population databases (gnomAD no frequency). This variant has not been reported in the literature in individuals affected with CYLD-related conditions. For these reasons, this variant has been classified as Pathogenic.

Literature cited by the submitters: PubMed 19462465.

NM_001378743.1(CYLD):c.1256T>G (p.Leu419Ter)

Gene: CYLD (CYLD lysine 63 deubiquitinase; plus strand). Cytogenetic location: 16q12.1.
Variant type: single nucleotide variant.
Coding change: c.1256T>G on transcript NM_001378743.1 (MANE Select); coding-DNA position 1256, T replaced by G.
Protein change: p.Leu419Ter; replaces leucine 419 with a stop codon.
Molecular consequence: nonsense. On other transcripts: non-coding transcript variant (1).
Genome position (GRCh38, 1-based): chr16:50,779,782, T>G. VCF-style: chr16-50779782-T-G. GRCh37 (hg19) VCF-style: chr16-50813693-T-G.
Other names: c.1247T>G, p.Leu416Ter (NM_001042355.2, NM_001042412.3, NM_001378744.1 and 6 more transcripts); c.1217T>G, p.Leu406Ter (NM_001378751.1, NM_001378752.1, NM_001378753.1); c.581T>G, p.Leu194Ter (NM_001378754.1, NM_001378755.1); c.1256T>G, p.Leu419Ter (NM_015247.3); short protein forms L194*, L416*, L419*, L406*.
Identifiers: ClinVar variation 4723262 (VCV004723262.1).